The following is an entry in ClinVar:

ClinVar aggregate classification (germline): Uncertain significance (1 of 4 stars; one submission).

Allele frequency attached by ClinVar (database versions not stated): gnomAD exomes below 0.00001; TOPMed below 0.00001.
gnomAD v4.1: 1 of 1,614,196 alleles (0.000062%); highest among the groups gnomAD compares: South Asian, 0.0011%; no homozygotes.

Submission:

Labcorp Genetics (formerly Invitae), Labcorp
Classification: Uncertain significance. Last evaluated: 2023-04-18. Review status: criteria provided, single submitter. Criteria: Invitae Variant Classification Sherloc (09022015). Collection method: clinical testing. Allele origin: germline.
Comment: This sequence change replaces arginine, which is basic and polar, with glycine, which is neutral and non-polar, at codon 963 of the TOP3A protein (p.Arg963Gly). In summary, the available evidence is currently insufficient to determine the role of this variant in disease. Therefore, it has been classified as a Variant of Uncertain Significance. An algorithm developed to predict the effect of missense changes on protein structure and function (PolyPhen-2) suggests that this variant is likely to be tolerated. This variant has not been reported in the literature in individuals affected with TOP3A-related conditions. This variant is present in population databases (no rsID available, gnomAD 0.003%).

NM_004618.5(TOP3A):c.2887A>G (p.Arg963Gly)

Gene: TOP3A (DNA topoisomerase III alpha; minus strand). Cytogenetic location: 17p11.2.
Variant type: single nucleotide variant.
Coding change: c.2887A>G on transcript NM_004618.5 (MANE Select); coding-DNA position 2887, A replaced by G.
Protein change: p.Arg963Gly; replaces arginine 963 with glycine.
Molecular consequence: missense variant.
Genome position (GRCh38, 1-based): chr17:18,274,921, T>C on the plus strand (A>G on the coding strand, the complement: TOP3A is on the minus strand). VCF-style: chr17-18274921-T-C. GRCh37 (hg19) VCF-style: chr17-18178235-T-C.
Other names: c.2602A>G, p.Arg868Gly (NM_001320759.2); short protein forms R868G, R963G.
Identifiers: ClinVar variation 2991799 (VCV002991799.3), dbSNP rs1377775128, ClinGen allele CA398621199.